The following is an entry in ClinVar:

NM_001378454.1(ALMS1):c.1093G>T (p.Asp365Tyr)

Gene: ALMS1 (ALMS1 centrosome and basal body associated protein; plus strand). Cytogenetic location: 2p13.1.
Variant type: single nucleotide variant.
Coding change: c.1093G>T on transcript NM_001378454.1 (MANE Select); coding-DNA position 1093, G replaced by T.
Protein change: p.Asp365Tyr; replaces aspartic acid 365 with tyrosine.
Molecular consequence: missense variant.
Genome position (GRCh38, 1-based): chr2:73,424,758, G>T. VCF-style: chr2-73424758-G-T. GRCh37 (hg19) VCF-style: chr2-73651886-G-T.
Other names: c.1096G>T, p.Asp366Tyr (NM_015120.4); short protein forms D366Y, D365Y.
Identifiers: ClinVar variation 1444018 (VCV001444018.5), dbSNP rs1229379546, ClinGen allele CA347261481.
Genomic context (GRCh38, chr2:73,424,758, plus strand): 5'-TATATGTCATGGAAGACACGAAAAGATACACAGTGGCCTGAAAACAATTTAGCTGATAAA[G>T]ATCAAGTTTCAGTTGCAACTTCATTTGACATAACTGATGAAAACATAGCTACTAAAAGAA-3'
Protein context (NP_001365383.1, residues 355-375): QWPENNLADK[Asp365Tyr]QVSVATSFDI

ClinVar aggregate classification (germline): Uncertain significance. Review status: criteria provided, multiple submitters, no conflicts (2 of 4 stars). 2 submissions from 2 submitters: Uncertain significance (2). Last evaluated 2022-06-09.

Conditions:
Cardiovascular phenotype. Identifiers: MedGen CN230736.
Alstrom syndrome (ALMS). Identifiers: Orphanet 64, MedGen C0268425, MONDO:0008763, OMIM 203800.

Submissions (2):

Labcorp Genetics (formerly Invitae), Labcorp
Classification: Uncertain significance for Alstrom syndrome. Last evaluated: 2022-06-09. Review status: criteria provided, single submitter. Criteria: Invitae Variant Classification Sherloc (09022015). Collection method: clinical testing. Allele origin: germline.
Comment: This sequence change replaces aspartic acid, which is acidic and polar, with tyrosine, which is neutral and polar, at codon 366 of the ALMS1 protein (p.Asp366Tyr). This variant is not present in population databases (gnomAD no frequency). This variant has not been reported in the literature in individuals affected with ALMS1-related conditions. Experimental studies and prediction algorithms are not available or were not evaluated, and the functional significance of this variant is currently unknown. In summary, the available evidence is currently insufficient to determine the role of this variant in disease. Therefore, it has been classified as a Variant of Uncertain Significance.

Ambry Genetics
Classification: Uncertain significance for Cardiovascular phenotype. Last evaluated: 2019-11-14. Review status: criteria provided, single submitter. Criteria: Ambry Variant Classification Scheme 2023. Collection method: clinical testing. Allele origin: germline.
Comment: The p.D366Y variant (also known as c.1096G>T), located in coding exon 5 of the ALMS1 gene, results from a G to T substitution at nucleotide position 1096. The aspartic acid at codon 366 is replaced by tyrosine, an amino acid with highly dissimilar properties. This amino acid position is not well conserved in available vertebrate species. In addition, this alteration is predicted to be tolerated by in silico analysis. Since supporting evidence is limited at this time, the clinical significance of this alteration remains unclear.